The following is an entry in ClinVar:

ClinVar aggregate classification (germline): Uncertain significance (1 of 4 stars; one submission).

Conditions:
Duchenne muscular dystrophy (DMD). Also called: MUSCULAR DYSTROPHY, PSEUDOHYPERTROPHIC PROGRESSIVE, DUCHENNE TYPE; Duchenne Muscular Dystrophy (DMD). Identifiers: Orphanet 98896, MedGen C0013264, MONDO:0010679, OMIM 310200.

Submission:

Labcorp Genetics (formerly Invitae), Labcorp
Classification: Uncertain significance for Duchenne muscular dystrophy. Last evaluated: 2025-11-04. Review status: criteria provided, single submitter. Criteria: Invitae Variant Classification Sherloc (09022015). Collection method: clinical testing. Allele origin: germline.
Comment: This sequence change replaces arginine, which is basic and polar, with threonine, which is neutral and polar, at codon 1865 of the DMD protein (p.Arg1865Thr). This variant is not present in population databases (gnomAD no frequency). This variant has not been reported in the literature in individuals affected with DMD-related conditions. Invitae Evidence Modeling of protein sequence and biophysical properties (such as structural, functional, and spatial information, amino acid conservation, physicochemical variation, residue mobility, and thermodynamic stability) indicates that this missense variant is not expected to disrupt DMD protein function with a negative predictive value of 95%. In summary, the available evidence is currently insufficient to determine the role of this variant in disease. Therefore, it has been classified as a Variant of Uncertain Significance.

NM_004006.3(DMD):c.5594G>C (p.Arg1865Thr)

Gene: DMD (dystrophin; minus strand). Cytogenetic location: Xp21.1.
Variant type: single nucleotide variant.
Coding change: c.5594G>C on transcript NM_004006.3 (MANE Select); coding-DNA position 5594, G replaced by C.
Protein change: p.Arg1865Thr; replaces arginine 1865 with threonine.
Molecular consequence: missense variant.
Genome position (GRCh38, 1-based): chrX:32,343,279, C>G on the plus strand (G>C on the coding strand, the complement: DMD is on the minus strand). VCF-style: chrX-32343279-C-G. GRCh37 (hg19) VCF-style: chrX-32361396-C-G.
Other names: c.5570G>C, p.Arg1857Thr (NM_000109.4); c.5582G>C, p.Arg1861Thr (NM_004009.3); c.5225G>C, p.Arg1742Thr (NM_004010.3); c.1571G>C, p.Arg524Thr (NM_004011.4); c.1562G>C, p.Arg521Thr (NM_004012.4); short protein forms R521T, R1742T, R1865T, R1861T, R1857T, R524T.
Identifiers: ClinVar variation 4695579 (VCV004695579.1).